The following is an entry in ClinVar:

NM_003136.4(SRP54):c.1105A>G (p.Met369Val)

Gene: SRP54 (signal recognition particle 54; plus strand). Cytogenetic location: 14q13.2.
Variant type: single nucleotide variant.
Coding change: c.1105A>G on transcript NM_003136.4 (MANE Select); coding-DNA position 1105, A replaced by G.
Protein change: p.Met369Val; replaces methionine 369 with valine.
Molecular consequence: missense variant.
Genome position (GRCh38, 1-based): chr14:35,019,023, A>G. VCF-style: chr14-35019023-A-G. GRCh37 (hg19) VCF-style: chr14-35488229-A-G.
Other names: c.958A>G, p.Met320Val (NM_001146282.2); c.1105A>G, p.Met369Val (NM_001411017.1); short protein forms M320V, M369V.
Identifiers: ClinVar variation 2193841 (VCV002193841.4), dbSNP rs753224082, ClinGen allele CA7153779.

ClinVar aggregate classification (germline): Uncertain significance (1 of 4 stars; one submission).

Allele frequency attached by ClinVar (database versions not stated): TOPMed below 0.00001; ExAC 0.00001.
gnomAD v4.1: 3 of 1,613,884 alleles (0.00019%); highest among the groups gnomAD compares: Non-Finnish European, 0.00025%; no homozygotes.

Submission:

Labcorp Genetics (formerly Invitae), Labcorp
Classification: Uncertain significance. Last evaluated: 2022-02-03. Review status: criteria provided, single submitter. Criteria: Invitae Variant Classification Sherloc (09022015). Collection method: clinical testing. Allele origin: germline.
Comment: In summary, the available evidence is currently insufficient to determine the role of this variant in disease. Therefore, it has been classified as a Variant of Uncertain Significance. Algorithms developed to predict the effect of missense changes on protein structure and function (SIFT, PolyPhen-2, Align-GVGD) all suggest that this variant is likely to be tolerated. This variant has not been reported in the literature in individuals affected with SRP54-related conditions. This variant is present in population databases (rs753224082, gnomAD 0.002%). This sequence change replaces methionine, which is neutral and non-polar, with valine, which is neutral and non-polar, at codon 369 of the SRP54 protein (p.Met369Val).